The following is an entry in ClinVar:

ClinVar aggregate classification (germline): Uncertain significance. Review status: criteria provided, multiple submitters, no conflicts (2 of 4 stars). 2 submissions from 2 submitters: Uncertain significance (2). Last evaluated 2025-09-02.

Conditions:
Hereditary cancer-predisposing syndrome. Also called: Tumor predisposition; Hereditary neoplastic syndrome; Hereditary Cancer Syndrome; Neoplastic Syndromes, Hereditary. Identifiers: Orphanet 140162, MedGen C0027672, MeSH D009386, MONDO:0015356.
Rhabdoid tumor predisposition syndrome 2 (RTPS2). Identifiers: Orphanet 231108, Orphanet 69077, MedGen C2750074, MONDO:0013224, OMIM 613325.

Submissions (2):

Labcorp Genetics (formerly Invitae), Labcorp
Classification: Uncertain significance for Rhabdoid tumor predisposition syndrome 2. Last evaluated: 2025-09-02. Review status: criteria provided, single submitter. Criteria: Invitae Variant Classification Sherloc (09022015). Collection method: clinical testing. Allele origin: germline.
Comment: This variant, c.4940_4942del, results in the deletion of 1 amino acid(s) of the SMARCA4 protein (p.Arg1647del), but otherwise preserves the integrity of the reading frame. This variant is present in population databases (no rsID available, gnomAD 0.002%). This variant has not been reported in the literature in individuals affected with SMARCA4-related conditions. ClinVar contains an entry for this variant (Variation ID: 937979). Experimental studies and prediction algorithms are not available or were not evaluated, and the functional significance of this variant is currently unknown. In summary, the available evidence is currently insufficient to determine the role of this variant in disease. Therefore, it has been classified as a Variant of Uncertain Significance.

Ambry Genetics
Classification: Uncertain significance for Hereditary cancer-predisposing syndrome. Last evaluated: 2024-09-05. Review status: criteria provided, single submitter. Criteria: Ambry Variant Classification Scheme 2023. Collection method: clinical testing. Allele origin: germline.
Comment: The c.4940_4942delGGC variant (also known as p.R1647del) is located in coding exon 34 of the SMARCA4 gene. This variant results from an in-frame GGC deletion at nucleotide positions 4940 to 4942. This results in the in-frame deletion of an arginine at codon 1647. This amino acid position is highly conserved in available vertebrate species. In addition, this alteration is predicted to be neutral by in silico analysis (Choi Y et al. PLoS ONE. 2012; 7(10):e46688). Based on the available evidence, the clinical significance of this variant remains unclear.

NM_003072.5(SMARCA4):c.4838GGC[2] (p.Arg1615del)

Gene: SMARCA4 (SWI/SNF related BAF chromatin remodeling complex subunit ATPase 4; plus strand). Cytogenetic location: 19p13.2.
Variant type: Microsatellite.
Coding change: c.4838GGC[2] on transcript NM_003072.5 (MANE Select); two copies in a row of the 3-base unit GGC starting at c.4838; the reference has three copies in a row; one copy, 3 bases deleted.
Protein change: p.Arg1615del; deletes arginine 1615.
Molecular consequence: inframe deletion. On other transcripts: non-coding transcript variant (1).
Genome position (GRCh38, 1-based): chr19:11,060,120-11,060,122, GGC deleted; deleting any 3 consecutive bases within chr19:11,060,113-11,060,122 gives the same sequence; the position shown is the placement nearest the transcript's 3' end. VCF-style (leftmost placement, unchanged base first): chr19-11060112-CCGG-C. GRCh37 (hg19) VCF-style: chr19-11170788-CCGG-C.
Other names: c.4838GGC[2], p.Arg1615del (NM_001128844.3); c.4748GGC[2], p.Arg1585del (NM_001128845.2); c.4745GGC[2], p.Arg1584del (NM_001128846.2); c.4739GGC[2], p.Arg1582del (NM_001128847.4, NM_001374457.1); c.4736GGC[2], p.Arg1581del (NM_001128848.2); c.4934GGC[2], p.Arg1647del (NM_001128849.3); c.4940_4942delGGC (NM_001128849.1); short protein forms R1582del, R1585del, R1581del, R1615del, R1584del, R1647del.
Identifiers: ClinVar variation 937979 (VCV000937979.10), dbSNP rs1311890122, ClinGen allele CA631770030.
Genomic context (GRCh38, chr19:11,060,112, plus strand): 5'-CGTCAAAGTGAAGATCAAGCTTGGCCGGAAGGAGAAGGCACAGGACCGGCTGAAGGGCGG[CCGG>C]CGGCGGCCGAGCCGAGGGTCCCGAGCCAAGCCGGTCGTGAGTGACGATGACAGTGAGGAG-3'